The following is an entry in ClinVar:

ClinVar aggregate classification (germline): Uncertain significance. Review status: criteria provided, multiple submitters, no conflicts (2 of 4 stars). 5 submissions from 5 submitters: Uncertain significance (5). Last evaluated 2026-04-02.

Conditions:
Inborn genetic diseases. Identifiers: MedGen C0950123, MeSH D030342.
Congenital myasthenic syndrome 19. Identifiers: Orphanet 590, MedGen C4225235, MONDO:0014745, OMIM 616720.

Allele frequency attached by ClinVar (database versions not stated): gnomAD 0.00001; ExAC 0.00005; gnomAD exomes 0.00003 and 0.00007; TOPMed 0.00003.
gnomAD v4.1: 38 of 1,556,804 alleles (0.0024%); highest among the groups gnomAD compares: Admixed American, 0.02%; no homozygotes.

Submissions (5):

GeneDx
Classification: Uncertain significance. Last evaluated: 2026-04-02. Review status: criteria provided, single submitter. Criteria: GeneDx Variant Classification Process June 2021. Collection method: clinical testing. Allele origin: germline.
Comment: In silico analysis supports that this missense variant has a deleterious effect on protein structure/function; Has not been previously published as pathogenic or benign to our knowledge

Labcorp Genetics (formerly Invitae), Labcorp
Classification: Uncertain significance. Last evaluated: 2026-01-01. Review status: criteria provided, single submitter. Criteria: Invitae Variant Classification Sherloc (09022015). Collection method: clinical testing. Allele origin: germline.
Comment: This sequence change replaces arginine, which is basic and polar, with histidine, which is basic and polar, at codon 609 of the COL13A1 protein (p.Arg609His). This variant is present in population databases (rs762247152, gnomAD 0.03%). This variant has not been reported in the literature in individuals affected with COL13A1-related conditions. ClinVar contains an entry for this variant (Variation ID: 1039832). An algorithm developed to predict the effect of missense changes on protein structure and function (PolyPhen-2) suggests that this variant is likely to be disruptive. In summary, the available evidence is currently insufficient to determine the role of this variant in disease. Therefore, it has been classified as a Variant of Uncertain Significance.

Women's Health and Genetics/Laboratory Corporation of America, LabCorp
Classification: Uncertain significance. Last evaluated: 2024-09-05. Review status: criteria provided, single submitter. Criteria: LabCorp Variant Classification Summary - May 2015. Collection method: clinical testing. Allele origin: germline.
Comment: Variant summary: COL13A1 c.1826G>A (p.Arg609His) results in a non-conservative amino acid change in the encoded protein sequence. Three of five in-silico tools predict a damaging effect of the variant on protein function. The variant allele was found at a frequency of 7.2e-05 in 248966 control chromosomes. This frequency is not significantly higher than estimated for a pathogenic variant in COL13A1 causing Congenital Myasthenic Syndrome 19, allowing no conclusion about variant significance. To our knowledge, no occurrence of c.1826G>A in individuals affected with Congenital Myasthenic Syndrome 19 and no experimental evidence demonstrating its impact on protein function have been reported. ClinVar contains an entry for this variant (Variation ID: 1039832). Based on the evidence outlined above, the variant was classified as uncertain significance.

Ambry Genetics
Classification: Uncertain significance for Inborn genetic diseases. Last evaluated: 2022-10-26. Review status: criteria provided, single submitter. Criteria: Ambry Variant Classification Scheme 2023. Collection method: clinical testing. Allele origin: germline.

Revvity Omics, Revvity
Classification: Uncertain significance for Congenital myasthenic syndrome 19. Last evaluated: 2022-06-21. Review status: criteria provided, single submitter. Criteria: ACMG Guidelines, 2015. Collection method: clinical testing. Allele origin: germline.

NM_001368882.1(COL13A1):c.1859G>A (p.Arg620His)

Gene: COL13A1 (collagen type XIII alpha 1 chain; plus strand). Cytogenetic location: 10q22.1.
Variant type: single nucleotide variant.
Coding change: c.1859G>A on transcript NM_001368882.1 (MANE Select); coding-DNA position 1859, G replaced by A.
Protein change: p.Arg620His; replaces arginine 620 with histidine.
Molecular consequence: missense variant.
Genome position (GRCh38, 1-based): chr10:69,937,696, G>A. VCF-style: chr10-69937696-G-A. GRCh37 (hg19) VCF-style: chr10-71697452-G-A.
Other names: c.1826G>A, p.Arg609His (NM_001130103.2); c.1751G>A, p.Arg584His (NM_001320951.2); c.1736G>A, p.Arg579His (NM_001368883.1); c.1709G>A, p.Arg570His (NM_001368884.1); c.1673G>A, p.Arg558His (NM_001368885.1); c.1151G>A, p.Arg384His (NM_001368886.1); c.1682G>A, p.Arg561His (NM_001368895.1); c.1568G>A, p.Arg523His (NM_001368896.1); and 8 more; short protein forms R384H, R543H, R552H, R590H, R620H, R532H, R558H, R572H.
Identifiers: ClinVar variation 1039832 (VCV001039832.12), dbSNP rs762247152, ClinGen allele CA5534953.